The following is an entry in ClinVar:

ClinVar aggregate classification (germline): Pathogenic (1 of 4 stars; one submission).

Conditions:
Intellectual developmental disorder, X-linked 1. Also called: Atkin Flaitz Patil Smith syndrome; MENTAL RETARDATION, X-LINKED 18; MENTAL RETARDATION, X-LINKED 78; Intellectual disability, X-linked 1. Identifiers: Orphanet 777, MedGen C2931498, MONDO:0010656, OMIM 309530.

Submission:

Labcorp Genetics (formerly Invitae), Labcorp
Classification: Pathogenic for Intellectual developmental disorder, X-linked 1. Last evaluated: 2025-12-16. Review status: criteria provided, single submitter. Criteria: Invitae Variant Classification Sherloc (09022015). Collection method: clinical testing. Allele origin: germline.
Comment: This sequence change is expected to alter the c-terminus of the IQSEC2 protein (p.Pro1406Leufs*89). While this is not anticipated to result in nonsense mediated decay, it is expected to disrupt the last 83 amino acid(s) of the IQSEC2 protein and extend the protein by 5 additional amino acid residues. This variant is not present in population databases (gnomAD no frequency). This variant has not been reported in the literature in individuals affected with IQSEC2-related conditions. This variant results in an extension of the IQSEC2 protein. Other variant(s) that result in a similarly extended protein product (p.Lys1480Argfs*17) have been determined to be pathogenic (internal data). This suggests that these extensions are likely to be disease-causing. For these reasons, this variant has been classified as Pathogenic.

NM_001111125.3(IQSEC2):c.4217del (p.Pro1406fs)

Gene: IQSEC2 (IQ motif and Sec7 domain ArfGEF 2; minus strand). Cytogenetic location: Xp11.22.
Variant type: Deletion.
Coding change: c.4217del on transcript NM_001111125.3 (MANE Select); coding-DNA position 4217, one base deleted (C; older notation c.4217delC).
Protein change: p.Pro1406fs; shifts the reading frame from proline 1406.
Molecular consequence: frameshift variant. On other transcripts: 3 prime UTR variant (4), intron variant (2).
Genome position (GRCh38, 1-based): chrX:53,234,469, G deleted on the plus strand (C on the coding strand, the reverse complement: IQSEC2 is on the minus strand); the first of 3 consecutive G bases (chrX:53,234,469-53,234,471); deleting any one gives the same sequence. VCF-style (leftmost placement, unchanged base first): chrX-53234468-AG-A. GRCh37 (hg19) VCF-style: chrX-53263650-AG-A.
Other names: c.*702del (NM_001410736.1, NM_001441093.1, NM_001441094.1 and 1 more transcripts); c.3451+1853del (NM_001441092.1); c.2740+1853del (NM_001441095.1); short protein forms P1406fs.
Identifiers: ClinVar variation 4733408 (VCV004733408.1).